The following is an entry in ClinVar:

ClinVar aggregate classification (germline): Pathogenic (1 of 4 stars; one submission).

Submission:

Labcorp Genetics (formerly Invitae), Labcorp
Classification: Pathogenic. Last evaluated: 2023-03-18. Review status: criteria provided, single submitter. Criteria: Invitae Variant Classification Sherloc (09022015). Collection method: clinical testing. Allele origin: germline.
Comment: This sequence change creates a premature translational stop signal (p.Tyr180*) in the SCO2 gene. While this is not anticipated to result in nonsense mediated decay, it is expected to disrupt the last 87 amino acid(s) of the SCO2 protein. This variant is not present in population databases (gnomAD no frequency). This variant has not been reported in the literature in individuals affected with SCO2-related conditions. This variant disrupts a region of the SCO2 protein in which other variant(s) (p.Gly193Ser) have been determined to be pathogenic (PMID: 19353847, 29193756, 32600061). This suggests that this is a clinically significant region of the protein, and that variants that disrupt it are likely to be disease-causing. For these reasons, this variant has been classified as Pathogenic.

Literature cited by the submitters: PubMed 19353847; PubMed 29193756; PubMed 32600061.

NM_005138.3(SCO2):c.539dup (p.Tyr180Ter)

Genes: NCAPH2 (non-SMC condensin II complex subunit H2; plus strand), SCO2 (synthesis of cytochrome C oxidase 2; minus strand). Cytogenetic location: 22q13.33.
Variant type: Duplication.
Coding change: c.539dup on transcript NM_005138.3 (MANE Select); coding-DNA position 539, one base duplicated (A; older notation c.539dupA).
Protein change: p.Tyr180Ter; replaces tyrosine 180 with a stop codon.
Molecular consequence: nonsense. On other transcripts: 3 prime UTR variant (2).
Genome position (GRCh38, 1-based): chr22:50,523,873, T duplicated on the plus strand (A on the coding strand, the reverse complement: SCO2 is on the minus strand). VCF-style (leftmost placement, unchanged base first): chr22-50523872-G-GT. GRCh37 (hg19) VCF-style: chr22-50962301-G-GT.
Other names: c.*498dup (NM_001185011.2, NM_152299.4); c.539dup, p.Tyr180Ter (NM_001169109.2, NM_001169110.1, NM_001169111.2); short protein forms Y180*.
Identifiers: ClinVar variation 2783127 (VCV002783127.3), dbSNP rs2522468528, ClinGen allele CA2739268034.